The following is an entry in ClinVar:

NM_212482.4(FN1):c.5003C>G (p.Thr1668Ser)

Gene: FN1 (fibronectin 1; minus strand). Cytogenetic location: 2q35.
Variant type: single nucleotide variant.
Coding change: c.5003C>G on transcript NM_212482.4 (MANE Select); coding-DNA position 5003, C replaced by G.
Protein change: p.Thr1668Ser; replaces threonine 1668 with serine.
Molecular consequence: missense variant.
Genome position (GRCh38, 1-based): chr2:215,383,375, G>C on the plus strand (C>G on the coding strand, the complement: FN1 is on the minus strand). VCF-style: chr2-215383375-G-C. GRCh37 (hg19) VCF-style: chr2-216248098-G-C.
Other names: c.5003C>G, p.Thr1668Ser (NM_001306129.2, NM_001306130.2, NM_001365517.2 and 3 more transcripts); c.4730C>G, p.Thr1577Ser (NM_001306131.2, NM_001306132.2, NM_212476.3 and 7 more transcripts); short protein forms T1577S, T1668S.
Identifiers: ClinVar variation 3279374 (VCV003279374.4).

ClinVar aggregate classification (germline): Uncertain significance. Review status: criteria provided, multiple submitters, no conflicts (2 of 4 stars). 3 submissions from 3 submitters: Uncertain significance (3). Last evaluated 2024-12-14.

Conditions:
Glomerulopathy with fibronectin deposits 2 (GFND2). Identifiers: Orphanet 84090, MedGen C1866075, MONDO:0011165, OMIM 601894.
Spondylometaphyseal dysplasia - Sutcliffe type. Also called: Sutcliffe type of spondylometaphyseal dysplasia; Sutcliffe SMD; Spondylometaphyseal Dysplasia, Corner Fracture Type; Spondylometaphyseal dysplasia, 'corner fracture' type. Identifiers: Orphanet 93315, MedGen C0432221, MONDO:0008479, OMIM 184255.
Inborn genetic diseases. Identifiers: MedGen C0950123, MeSH D030342.

gnomAD v4.1: 1 of 1,614,042 alleles (0.000062%); highest among the groups gnomAD compares: Admixed American, 0.0017%; no homozygotes.

Submissions (3):

Labcorp Genetics (formerly Invitae), Labcorp
Classification: Uncertain significance. Last evaluated: 2024-12-14. Review status: criteria provided, single submitter. Criteria: Invitae Variant Classification Sherloc (09022015). Collection method: clinical testing. Allele origin: germline.
Comment: This sequence change replaces threonine, which is neutral and polar, with serine, which is neutral and polar, at codon 1668 of the FN1 protein (p.Thr1668Ser). This variant is present in population databases (no rsID available, gnomAD 0.006%). This variant has not been reported in the literature in individuals affected with FN1-related conditions. An algorithm developed to predict the effect of missense changes on protein structure and function (PolyPhen-2) suggests that this variant is likely to be tolerated. In summary, the available evidence is currently insufficient to determine the role of this variant in disease. Therefore, it has been classified as a Variant of Uncertain Significance.

Ambry Genetics
Classification: Uncertain significance for Inborn genetic diseases. Last evaluated: 2024-06-17. Review status: criteria provided, single submitter. Criteria: Ambry Variant Classification Scheme 2023. Collection method: clinical testing. Allele origin: germline.

Fulgent Genetics
Classification: Uncertain significance for Spondylometaphyseal dysplasia - Sutcliffe type; Glomerulopathy with fibronectin deposits 2. Last evaluated: 2024-06-08. Review status: criteria provided, single submitter. Criteria: ACMG Guidelines, 2015. Collection method: clinical testing. Allele origin: germline.